The following is an entry in ClinVar:

NM_003126.4(SPTA1):c.6173G>A (p.Trp2058Ter)

Gene: SPTA1 (spectrin alpha, erythrocytic 1; minus strand). Cytogenetic location: 1q23.1.
Variant type: single nucleotide variant.
Coding change: c.6173G>A on transcript NM_003126.4 (MANE Select); coding-DNA position 6173, G replaced by A.
Protein change: p.Trp2058Ter; replaces tryptophan 2058 with a stop codon.
Molecular consequence: nonsense.
Genome position (GRCh38, 1-based): chr1:158,620,414, C>T on the plus strand (G>A on the coding strand, the complement: SPTA1 is on the minus strand). VCF-style: chr1-158620414-C-T. GRCh37 (hg19) VCF-style: chr1-158590204-C-T.
Other names: short protein forms W2058*.
Identifiers: ClinVar variation 3669703 (VCV003669703.2).

ClinVar aggregate classification (germline): Pathogenic (1 of 4 stars; one submission).

Submission:

Labcorp Genetics (formerly Invitae), Labcorp
Classification: Pathogenic. Last evaluated: 2025-09-02. Review status: criteria provided, single submitter. Criteria: Invitae Variant Classification Sherloc (09022015). Collection method: clinical testing. Allele origin: germline.
Comment: This sequence change creates a premature translational stop signal (p.Trp2058*) in the SPTA1 gene. It is expected to result in an absent or disrupted protein product. Loss-of-function variants in SPTA1 are known to be pathogenic (PMID: 9192783, 18815189, 31333484, 31723846, 32266426). This variant is not present in population databases (gnomAD no frequency). This variant has not been reported in the literature in individuals affected with SPTA1-related conditions. ClinVar contains an entry for this variant (Variation ID: 3669703). For these reasons, this variant has been classified as Pathogenic.

Literature cited by the submitters: PubMed 9192783; PubMed 18815189; PubMed 31333484; PubMed 31723846; PubMed 32266426.